The following is an entry in ClinVar:

NM_006214.4(PHYH):c.302T>C (p.Met101Thr)

Gene: PHYH (phytanoyl-CoA 2-hydroxylase; minus strand). Cytogenetic location: 10p13.
Variant type: single nucleotide variant.
Coding change: c.302T>C on transcript NM_006214.4 (MANE Select); coding-DNA position 302, T replaced by C.
Protein change: p.Met101Thr; replaces methionine 101 with threonine.
Molecular consequence: missense variant. On other transcripts: initiator codon variant (3).
Genome position (GRCh38, 1-based): chr10:13,294,540, A>G on the plus strand (T>C on the coding strand, the complement: PHYH is on the minus strand). VCF-style: chr10-13294540-A-G. GRCh37 (hg19) VCF-style: chr10-13336540-A-G.
Other names: c.2T>C, p.Met1Thr (NM_001037537.2, NM_001323080.2, NM_001323084.2); c.302T>C, p.Met101Thr (NM_001323082.2, NM_001323083.2); short protein forms M101T, M1T.
Identifiers: ClinVar variation 2123414 (VCV002123414.5), dbSNP rs2538656360, ClinGen allele CA376037234.

ClinVar aggregate classification (germline): Uncertain significance (1 of 4 stars; one submission).

Allele frequency attached by ClinVar (database versions not stated): gnomAD exomes below 0.00001.

Submission:

Labcorp Genetics (formerly Invitae), Labcorp
Classification: Uncertain significance. Last evaluated: 2022-11-29. Review status: criteria provided, single submitter. Criteria: Invitae Variant Classification Sherloc (09022015). Collection method: clinical testing. Allele origin: germline.
Comment: In summary, the available evidence is currently insufficient to determine the role of this variant in disease. Therefore, it has been classified as a Variant of Uncertain Significance. Advanced modeling of protein sequence and biophysical properties (such as structural, functional, and spatial information, amino acid conservation, physicochemical variation, residue mobility, and thermodynamic stability) performed at Invitae indicates that this missense variant is expected to disrupt PHYH protein function. This variant has not been reported in the literature in individuals affected with PHYH-related conditions. This variant is not present in population databases (gnomAD no frequency). This sequence change replaces methionine, which is neutral and non-polar, with threonine, which is neutral and polar, at codon 101 of the PHYH protein (p.Met101Thr).